The following is an entry in ClinVar:

NM_144687.4(NLRP12):c.116G>T (p.Gly39Val)

Gene: NLRP12 (NLR family pyrin domain containing 12; minus strand). Cytogenetic location: 19q13.42.
Variant type: single nucleotide variant.
Coding change: c.116G>T on transcript NM_144687.4 (MANE Select); coding-DNA position 116, G replaced by T.
Protein change: p.Gly39Val; replaces glycine 39 with valine.
Molecular consequence: missense variant.
Genome position (GRCh38, 1-based): chr19:53,824,059, C>A on the plus strand (G>T on the coding strand, the complement: NLRP12 is on the minus strand). VCF-style: chr19-53824059-C-A. GRCh37 (hg19) VCF-style: chr19-54327313-C-A.
Other names: c.116G>T, p.Gly39Val (NM_001277126.2, NM_001277129.1); short protein forms G39V.
Identifiers: ClinVar variation 262528 (VCV000262528.38), dbSNP rs34436714, ClinGen allele CA9639831.
Genomic context (GRCh38, chr19:53,824,059, plus strand): 5'-AGCTGGGCCATTTCCAGGGGACCGGCCTTCTCCATGCTTCCCCAGGGGATCTTGCCTTCT[C>A]CCAGCTCTGTCGCGGTCCCCAGGTATAACTTGAACTTCTTCAGTTCCACAGCCTCGAGTT-3'
Protein context (NP_653288.1, residues 29-49): KLYLGTATEL[Gly39Val]EGKIPWGSME

ClinVar aggregate classification (germline): Benign/Likely benign. Review status: criteria provided, multiple submitters, no conflicts (2 of 4 stars). 10 submissions from 10 submitters: Benign (8); Likely benign (2). Last evaluated 2026-02-04.

Conditions:
Familial cold autoinflammatory syndrome 2 (FCAS2). Identifiers: Orphanet 247868, MedGen C2673198, MONDO:0012724, OMIM 611762.

Allele frequency attached by ClinVar (database versions not stated): gnomAD exomes 0.21371 and 0.22387; ExAC 0.22944; 1000 Genomes Project 0.25559; 1000 Genomes Project 30x 0.25921; TOPMed 0.26053; ESP Exome Variant Server 0.26680.
gnomAD v4.1: 350,993 of 1,613,906 alleles (22%); highest among the groups gnomAD compares: African/African-American, 37%; 39,803 homozygotes.

Submissions (13):

Labcorp Genetics (formerly Invitae), Labcorp
Classification: Benign for Familial cold autoinflammatory syndrome 2. Last evaluated: 2026-02-04. Review status: criteria provided, single submitter. Criteria: Invitae Variant Classification Sherloc (09022015). Collection method: clinical testing. Allele origin: germline.

Women's Health and Genetics/Laboratory Corporation of America, LabCorp
Classification: Likely benign. Last evaluated: 2026-01-21. Review status: criteria provided, single submitter. Criteria: LabCorp Variant Classification Summary - May 2015. Collection method: clinical testing. Allele origin: germline.

ARUP Laboratories, Molecular Genetics and Genomics, ARUP Laboratories
Classification: Benign for Familial cold autoinflammatory syndrome 2. Last evaluated: 2025-07-21. Review status: criteria provided, single submitter. Criteria: ARUP Molecular Germline Variant Investigation Process 2024. Collection method: clinical testing. Allele origin: germline.

Blueprint Genetics
Classification: Likely benign. Last evaluated: 2024-11-28. Review status: criteria provided, single submitter. Criteria: ACMG Guidelines, 2015. Collection method: clinical testing. Allele origin: germline.

Unidad de Genómica Garrahan, Hospital de Pediatría Garrahan
Classification: Benign. Last evaluated: 2023-11-12. Review status: criteria provided, single submitter. Criteria: ACMG Guidelines, 2015. Collection method: clinical testing. Allele origin: germline. Affected: no. Observed: 47 variant alleles.
Comment: This variant is classified as Benign based on local population frequency. This variant was detected in 49% of patients studied by a panel of primary immunodeficiencies. Number of patients: 47. Only high quality variants are reported.

GeneDx
Classification: Benign. Last evaluated: 2018-07-05. Review status: criteria provided, single submitter. Criteria: GeneDx Variant Classification Process June 2021. Collection method: clinical testing. Allele origin: germline. Affected: yes.

Mayo Clinic Laboratories, Mayo Clinic
Classification: Benign. Last evaluated: 2018-03-22. Review status: criteria provided, single submitter. Criteria: ACMG Guidelines, 2015. Collection method: clinical testing. Allele origin: germline. Observed: 363 variant alleles.

Laboratory for Molecular Medicine, Mass General Brigham Personalized Medicine
Classification: Benign. Last evaluated: 2016-03-29. Review status: criteria provided, single submitter. Criteria: LMM Criteria. Collection method: clinical testing. Allele origin: germline.
Comment: Variant identified in a genome or exome case(s) and assessed due to predicted null impact of the variant or pathogenic assertions in the literature or databases. Disclaimer: This variant has not undergone full assessment. The following are preliminary notes: Frequency

Breakthrough Genomics
Classification: Benign. Review status: criteria provided, single submitter. Criteria: ACMG Guidelines, 2015. Collection method: not provided. Allele origin: germline. Inheritance: Autosomal dominant inheritance. Affected: yes.

PreventionGenetics, part of Exact Sciences
Classification: Benign. Review status: criteria provided, single submitter. Criteria: ACMG Guidelines, 2015. Collection method: clinical testing. Allele origin: germline.

Dr. Peter K. Rogan Lab, Western University
No classification provided (evidence only). Condition: Malignant lymphoma, large B-cell, diffuse. Review status: no classification provided. Collection method: in vitro. Allele origin: not applicable. Functional consequence: retained intron. Not counted in ClinVar's aggregate classification.

Dr. Peter K. Rogan Lab, Western University
No classification provided (evidence only). Condition: Malignant lymphoma, large B-cell, diffuse. Review status: no classification provided. Collection method: in vitro. Allele origin: not applicable. Functional consequence: retained intron. Not counted in ClinVar's aggregate classification.

Dr. Peter K. Rogan Lab, Western University
No classification provided (evidence only). Condition: Malignant lymphoma, large B-cell, diffuse. Review status: no classification provided. Collection method: in vitro. Allele origin: not applicable. Functional consequence: retained intron. Not counted in ClinVar's aggregate classification.